The following is an entry in ClinVar:

NM_001048166.1(STIL):c.2372C>T (p.Ala791Val)

Gene: STIL (STIL centriolar assembly protein; minus strand). Cytogenetic location: 1p33.
Variant type: single nucleotide variant.
Coding change: c.2372C>T on transcript NM_001048166.1 (MANE Select); coding-DNA position 2372, C replaced by T.
Protein change: p.Ala791Val; replaces alanine 791 with valine.
Molecular consequence: missense variant.
Genome position (GRCh38, 1-based): chr1:47,272,087, G>A on the plus strand (C>T on the coding strand, the complement: STIL is on the minus strand). VCF-style: chr1-47272087-G-A. GRCh37 (hg19) VCF-style: chr1-47737759-G-A.
Other names: c.2372C>T, p.Ala791Val (NM_001282936.1, NM_001282937.1, NM_003035.2); c.2231C>T, p.Ala744Val (NM_001282938.1, NM_001282939.1, NM_001377417.1); short protein forms A744V, A791V.
Identifiers: ClinVar variation 2671729 (VCV002671729.1), dbSNP rs1473046172, ClinGen allele CA340243578.

ClinVar aggregate classification (germline): Uncertain significance (1 of 4 stars; one submission).

Conditions:
Microcephaly 7, primary, autosomal recessive. Identifiers: Orphanet 2512, MedGen C2675187, MONDO:0012989, OMIM 612703.

Submission:

Neuberg Centre For Genomic Medicine, NCGM
Classification: Uncertain significance for Microcephaly 7, primary, autosomal recessive. Last evaluated: 2023-02-14. Review status: criteria provided, single submitter. Criteria: ACMG Guidelines, 2015. Collection method: clinical testing. Allele origin: germline. Inheritance: Autosomal recessive inheritance. Affected: yes.
Comment: The missense variant c.2372C>T (p.Ala791Val) in the STIL gene has not been reported previously as a pathogenic variant nor as a benign variant, to our knowledge. This variant is novel (not in any individuals) in gnomAD Exomes and 1000 Genomes. The amino acid Alanine at position 791 is changed to a Valine changing protein sequence and it might alter its composition and physico-chemical properties. The variant is predicted as damaging by SIFT. The amino acid change p.Ala791Val in STIL is predicted as conserved by GERP++ and PhyloP across 100 vertebrates. For these reasons, this variant has been classified as Uncertain Significance.